The following is an entry in ClinVar:

ClinVar aggregate classification (germline): Conflicting classifications of pathogenicity. Review status: criteria provided, conflicting classifications (1 of 4 stars). 2 submissions from 2 submitters: Uncertain significance (1); Likely benign (1). Last evaluated 2023-10-27.

Allele frequency attached by ClinVar (database versions not stated): gnomAD 0.00002; TOPMed 0.00003; gnomAD exomes 0.00005.
gnomAD v4.1: 78 of 1,612,874 alleles (0.0048%); highest among the groups gnomAD compares: East Asian, 0.0089%; no homozygotes.

Submissions (2):

Blueprint Genetics
Classification: Likely benign. Last evaluated: 2023-10-27. Review status: criteria provided, single submitter. Criteria: ACMG Guidelines, 2015. Collection method: clinical testing. Allele origin: germline.

Labcorp Genetics (formerly Invitae), Labcorp
Classification: Uncertain significance. Last evaluated: 2023-08-10. Review status: criteria provided, single submitter. Criteria: Invitae Variant Classification Sherloc (09022015). Collection method: clinical testing. Allele origin: germline.
Comment: This variant is present in population databases (rs764939853, gnomAD 0.004%). This sequence change affects codon 411 of the AK7 mRNA. It is a 'silent' change, meaning that it does not change the encoded amino acid sequence of the AK7 protein. This variant has not been reported in the literature in individuals affected with AK7-related conditions. In summary, the available evidence is currently insufficient to determine the role of this variant in disease. Therefore, it has been classified as a Variant of Uncertain Significance. Algorithms developed to predict the effect of sequence changes on RNA splicing suggest that this variant may create or strengthen a splice site. ClinVar contains an entry for this variant (Variation ID: 1928770).

NM_152327.5(AK7):c.1233G>A (p.Ala411=)

Gene: AK7 (adenylate kinase 7; plus strand). Cytogenetic location: 14q32.2.
Variant type: single nucleotide variant.
Coding change: c.1233G>A on transcript NM_152327.5 (MANE Select); coding-DNA position 1233, G replaced by A.
Protein change: p.Ala411=; no amino-acid change (alanine 411 retained).
Molecular consequence: synonymous variant.
Genome position (GRCh38, 1-based): chr14:96,458,088, G>A. VCF-style: chr14-96458088-G-A. GRCh37 (hg19) VCF-style: chr14-96924425-G-A.
Other names: c.1233G>A, p.Ala411= (NM_001350888.2, NM_001350890.2, NM_001350892.2); c.1155G>A, p.Ala385= (NM_001350891.2).
Identifiers: ClinVar variation 1928770 (VCV001928770.5), dbSNP rs764939853, ClinGen allele CA7337789.